The following is an entry in ClinVar:

ClinVar aggregate classification (germline): Conflicting classifications of pathogenicity. Review status: criteria provided, conflicting classifications (1 of 4 stars). 3 submissions from 3 submitters: Likely pathogenic (1); Uncertain significance (2). Last evaluated 2024-03-25.

Allele frequency attached by ClinVar (database versions not stated): TOPMed 0.00002; gnomAD exomes 0.00003 and 0.00005; ExAC 0.00006; 1000 Genomes Project 0.00020; 1000 Genomes Project 30x 0.00031.
gnomAD v4.1: 46 of 1,609,012 alleles (0.0029%); highest among the groups gnomAD compares: South Asian, 0.041%; 1 homozygote.

Submissions (3):

Women's Health and Genetics/Laboratory Corporation of America, LabCorp
Classification: Uncertain significance. Last evaluated: 2024-03-25. Review status: criteria provided, single submitter. Criteria: LabCorp Variant Classification Summary - May 2015. Collection method: clinical testing. Allele origin: germline.

Labcorp Genetics (formerly Invitae), Labcorp
Classification: Uncertain significance. Last evaluated: 2021-11-29. Review status: criteria provided, single submitter. Criteria: Invitae Variant Classification Sherloc (09022015). Collection method: clinical testing. Allele origin: germline.
Comment: This sequence change replaces arginine, which is basic and polar, with cysteine, which is neutral and slightly polar, at codon 351 of the FOXRED1 protein (p.Arg351Cys). The frequency data for this variant in the population databases is considered unreliable, as metrics indicate poor data quality at this position in the gnomAD database. This variant has not been reported in the literature in individuals affected with FOXRED1-related conditions. ClinVar contains an entry for this variant (Variation ID: 214448). Advanced modeling of protein sequence and biophysical properties (such as structural, functional, and spatial information, amino acid conservation, physicochemical variation, residue mobility, and thermodynamic stability) performed at Invitae indicates that this missense variant is expected to disrupt FOXRED1 protein function. In summary, the available evidence is currently insufficient to determine the role of this variant in disease. Therefore, it has been classified as a Variant of Uncertain Significance.

GeneDx
Classification: Likely pathogenic. Last evaluated: 2014-06-05. Review status: criteria provided, single submitter. Criteria: GeneDx Variant Classification (06012015). Collection method: clinical testing. Allele origin: germline. Affected: yes.
Comment: p.Arg351Cys (CGC>TGC): c.1051 C>T in exon 9 of the FOXRED1 gene (NM_017547.3). The R351C variant has not been published as a mutation, nor has it been reported as a benign polymorphism to our knowledge. The R351C variant is a non-conservative amino acid substitution, which is likely to impact secondary protein structure as these residues differ in polarity, charge, size and/or other properties. This substitution occurs at a position that is conserved across species. In silico analysis predicts this variant is probably damaging to the protein structure/function. Missense mutations in nearby residues (R352W) have been reported in association with mitochondrial encephalopathy, supporting the functional importance of this region of the protein. Therefore, this variant is a strong candidate for a pathogenic mutation, however the possibility that it is a benign variant cannot be excluded. The variant is found in MITONUC-MITOP panel(s).

NM_017547.4(FOXRED1):c.1051C>T (p.Arg351Cys)

Gene: FOXRED1 (FAD dependent oxidoreductase domain containing 1; plus strand). Cytogenetic location: 11q24.2.
Variant type: single nucleotide variant.
Coding change: c.1051C>T on transcript NM_017547.4 (MANE Select); coding-DNA position 1051, C replaced by T.
Protein change: p.Arg351Cys; replaces arginine 351 with cysteine.
Molecular consequence: missense variant. On other transcripts: non-coding transcript variant (2).
Genome position (GRCh38, 1-based): chr11:126,276,473, C>T. VCF-style: chr11-126276473-C-T. GRCh37 (hg19) VCF-style: chr11-126146368-C-T.
Other names: p.R351C:CGC>TGC; short protein forms R351C.
Identifiers: ClinVar variation 214448 (VCV000214448.7), dbSNP rs544236849, ClinGen allele CA323580.